The following is an entry in ClinVar:

ClinVar aggregate classification (germline): Uncertain significance (1 of 4 stars; one submission).

Conditions:
Lowe syndrome (OCRL). Also called: LOWE OCULOCEREBRORENAL SYNDROME; PHOSPHATIDYLINOSITOL 4,5-BISPHOSPHATE 5-PHOSPHATASE DEFICIENCY; Oculocerebrorenal Syndrome. Identifiers: Orphanet 534, MedGen C0028860, MONDO:0010645, OMIM 309000.

Allele frequency attached by ClinVar (database versions not stated): gnomAD exomes below 0.00001; ExAC 0.00001.
gnomAD v4.1: 2 of 1,211,405 alleles (0.00017%); highest among the groups gnomAD compares: Non-Finnish European, 0.00022%; no homozygotes.

Submission:

Labcorp Genetics (formerly Invitae), Labcorp
Classification: Uncertain significance for Lowe syndrome. Last evaluated: 2022-05-24. Review status: criteria provided, single submitter. Criteria: Invitae Variant Classification Sherloc (09022015). Collection method: clinical testing. Allele origin: germline.
Comment: This sequence change falls in intron 21 of the OCRL gene. It does not directly change the encoded amino acid sequence of the OCRL protein. This variant is present in population databases (rs773756884, gnomAD 0.001%). This variant has not been reported in the literature in individuals affected with OCRL-related conditions. Algorithms developed to predict the effect of sequence changes on RNA splicing suggest that this variant may disrupt the consensus splice site. In summary, the available evidence is currently insufficient to determine the role of this variant in disease. Therefore, it has been classified as a Variant of Uncertain Significance.

NM_000276.4(OCRL):c.2342-10G>A

Gene: OCRL (OCRL inositol polyphosphate-5-phosphatase; plus strand). Cytogenetic location: Xq26.1.
Variant type: single nucleotide variant.
Coding change: c.2342-10G>A on transcript NM_000276.4 (MANE Select); 10 bases into the intron before coding-DNA position 2342, G replaced by A.
Molecular consequence: intron variant.
Genome position (GRCh38, 1-based): chrX:129,588,876, G>A. VCF-style: chrX-129588876-G-A. GRCh37 (hg19) VCF-style: chrX-128722853-G-A.
Other names: c.2345-10G>A (NM_001318784.2); c.2318-10G>A (NM_001587.4).
Identifiers: ClinVar variation 2116236 (VCV002116236.1), dbSNP rs773756884, ClinGen allele CA10512357.